The following is an entry in ClinVar:

NM_001352514.2(HLCS):c.908A>T (p.Asn303Ile)

Gene: HLCS (holocarboxylase synthetase; minus strand). Cytogenetic location: 21q22.13.
Variant type: single nucleotide variant.
Coding change: c.908A>T on transcript NM_001352514.2 (MANE Select); coding-DNA position 908, A replaced by T.
Protein change: p.Asn303Ile; replaces asparagine 303 with isoleucine.
Molecular consequence: missense variant. On other transcripts: non-coding transcript variant (2).
Genome position (GRCh38, 1-based): chr21:36,936,978, T>A on the plus strand (A>T on the coding strand, the complement: HLCS is on the minus strand). VCF-style: chr21-36936978-T-A. GRCh37 (hg19) VCF-style: chr21-38309278-T-A.
Other names: c.467A>T (NM_000411.6); c.467A>T, p.Asn156Ile (NM_000411.8, NM_001242784.3, NM_001242785.2 and 4 more transcripts); short protein forms N303I, N156I.
Identifiers: ClinVar variation 1389284 (VCV001389284.6), dbSNP rs912685138, ClinGen allele CA320395694.

ClinVar aggregate classification (germline): Uncertain significance. Review status: criteria provided, multiple submitters, no conflicts (2 of 4 stars). 2 submissions from 2 submitters: Uncertain significance (2). Last evaluated 2023-10-16.

Conditions:
Inborn genetic diseases. Identifiers: MedGen C0950123, MeSH D030342.
Holocarboxylase synthetase deficiency. Also called: MULTIPLE CARBOXYLASE DEFICIENCY, EARLY ONSET. Identifiers: Orphanet 79242, MedGen C0268581, MONDO:0009666, OMIM 253270.

gnomAD v4.1: 12 of 1,613,912 alleles (0.00074%); highest among the groups gnomAD compares: Admixed American, 0.013%; no homozygotes.

Submissions (2):

Ambry Genetics
Classification: Uncertain significance for Inborn genetic diseases. Last evaluated: 2023-10-16. Review status: criteria provided, single submitter. Criteria: Ambry Variant Classification Scheme 2023. Collection method: clinical testing. Allele origin: germline.

Labcorp Genetics (formerly Invitae), Labcorp
Classification: Uncertain significance for Holocarboxylase synthetase deficiency. Last evaluated: 2022-05-25. Review status: criteria provided, single submitter. Criteria: Invitae Variant Classification Sherloc (09022015). Collection method: clinical testing. Allele origin: germline.
Comment: This sequence change replaces asparagine, which is neutral and polar, with isoleucine, which is neutral and non-polar, at codon 156 of the HLCS protein (p.Asn156Ile). This variant is present in population databases (no rsID available, gnomAD 0.006%). This variant has not been reported in the literature in individuals affected with HLCS-related conditions. Advanced modeling of protein sequence and biophysical properties (such as structural, functional, and spatial information, amino acid conservation, physicochemical variation, residue mobility, and thermodynamic stability) performed at Invitae indicates that this missense variant is not expected to disrupt HLCS protein function. In summary, the available evidence is currently insufficient to determine the role of this variant in disease. Therefore, it has been classified as a Variant of Uncertain Significance.